The following is an entry in ClinVar:

NM_014946.4(SPAST):c.10C>T (p.Pro4Ser)

Gene: SPAST (spastin; plus strand). Cytogenetic location: 2p22.3.
Variant type: single nucleotide variant.
Coding change: c.10C>T on transcript NM_014946.4 (MANE Select); coding-DNA position 10, C replaced by T.
Protein change: p.Pro4Ser; replaces proline 4 with serine.
Molecular consequence: missense variant.
Genome position (GRCh38, 1-based): chr2:32,063,841, C>T. VCF-style: chr2-32063841-C-T. GRCh37 (hg19) VCF-style: chr2-32288910-C-T.
Other names: p.Pro4Ser; c.10C>T, p.Pro4Ser (NM_001363823.2, NM_001363875.2, NM_001377959.1 and 1 more transcripts); short protein forms P4S.
Identifiers: ClinVar variation 1693809 (VCV001693809.7), dbSNP rs937319046, ClinGen allele CA45201382.
Genomic context (GRCh38, chr2:32,063,841, plus strand): 5'-CGTCGGTCTGCGGGAGGCGGGTTATGGCGGCGGCGGCAGTGAGAGCTGTGAATGAATTCT[C>T]CGGGTGGACGAGGGAAGAAGAAAGGCTCCGGCGGCGCCAGCAACCCGGTGCCTCCCAGGC-3'
Protein context (NP_055761.2, residues 1-14): MNS[Pro4Ser]GGRGKKKGSG

ClinVar aggregate classification (germline): Uncertain significance. Review status: criteria provided, multiple submitters, no conflicts (2 of 4 stars). 2 submissions from 2 submitters: Uncertain significance (2). Last evaluated 2023-08-19.

Conditions:
Hereditary spastic paraplegia 4. Also called: Spastic Paraplegia 4; Spastic paraplegia 4, autosomal dominant; Familial spastic paraplegia autosomal dominant 2. Identifiers: Orphanet 100985, MedGen C1866855, MONDO:0008438, OMIM 182601.

Allele frequency attached by ClinVar (database versions not stated): TOPMed 0.00001.
gnomAD v4.1: 13 of 1,576,456 alleles (0.00082%); highest among the groups gnomAD compares: Non-Finnish European, 0.0011%; no homozygotes.

Submissions (2):

Labcorp Genetics (formerly Invitae), Labcorp
Classification: Uncertain significance for Hereditary spastic paraplegia 4. Last evaluated: 2023-08-19. Review status: criteria provided, single submitter. Criteria: Invitae Variant Classification Sherloc (09022015). Collection method: clinical testing. Allele origin: germline.
Comment: This variant is not present in population databases (gnomAD no frequency). This sequence change replaces proline, which is neutral and non-polar, with serine, which is neutral and polar, at codon 4 of the SPAST protein (p.Pro4Ser). This variant has not been reported in the literature in individuals affected with SPAST-related conditions. In summary, the available evidence is currently insufficient to determine the role of this variant in disease. Therefore, it has been classified as a Variant of Uncertain Significance. Advanced modeling of protein sequence and biophysical properties (such as structural, functional, and spatial information, amino acid conservation, physicochemical variation, residue mobility, and thermodynamic stability) has been performed at Invitae for this missense variant, however the output from this modeling did not meet the statistical confidence thresholds required to predict the impact of this variant on SPAST protein function. ClinVar contains an entry for this variant (Variation ID: 1693809).

Mayo Clinic Laboratories, Mayo Clinic
Classification: Uncertain significance. Last evaluated: 2021-06-29. Review status: criteria provided, single submitter. Criteria: ACMG Guidelines, 2015. Collection method: clinical testing. Allele origin: germline.